The following is an entry in ClinVar:

NM_000135.4(FANCA):c.1061T>A (p.Leu354Gln)

Gene: FANCA (FA complementation group A; minus strand). Cytogenetic location: 16q24.3.
Variant type: single nucleotide variant.
Coding change: c.1061T>A on transcript NM_000135.4 (MANE Select); coding-DNA position 1061, T replaced by A.
Protein change: p.Leu354Gln; replaces leucine 354 with glutamine.
Molecular consequence: missense variant.
Genome position (GRCh38, 1-based): chr16:89,792,493, A>T on the plus strand (T>A on the coding strand, the complement: FANCA is on the minus strand). VCF-style: chr16-89792493-A-T. GRCh37 (hg19) VCF-style: chr16-89858901-A-T.
Other names: c.1061T>A, p.Leu354Gln (NM_001286167.3); short protein forms L354Q.
Identifiers: ClinVar variation 2444887 (VCV002444887.2), dbSNP rs2544275844, ClinGen allele CA397466664.

ClinVar aggregate classification (germline): Uncertain significance. Review status: criteria provided, multiple submitters, no conflicts (2 of 4 stars). 2 submissions from 2 submitters: Uncertain significance (2). Last evaluated 2024-12-25.

Conditions:
Inborn genetic diseases. Identifiers: MedGen C0950123, MeSH D030342.
Fanconi anemia complementation group A (FANCA). Also called: Fanconi anemia, group A; FANCA-Related Fanconi Anemia. Identifiers: Orphanet 84, MedGen C3469521, MONDO:0009215, OMIM 227650.

Allele frequency attached by ClinVar (database versions not stated): gnomAD exomes below 0.00001.
gnomAD v4.1: 2 of 1,613,490 alleles (0.00012%); highest among the groups gnomAD compares: Admixed American, 0.0033%; no homozygotes.

Submissions (2):

Ambry Genetics
Classification: Uncertain significance for Inborn genetic diseases. Last evaluated: 2024-12-25. Review status: criteria provided, single submitter. Criteria: Ambry Variant Classification Scheme 2023. Collection method: clinical testing. Allele origin: germline.
Comment: The p.L354Q variant (also known as c.1061T>A), located in coding exon 12 of the FANCA gene, results from a T to A substitution at nucleotide position 1061. The leucine at codon 354 is replaced by glutamine, an amino acid with dissimilar properties. This amino acid position is conserved. In addition, this alteration is predicted to be deleterious by in silico analysis. Based on the available evidence, the clinical significance of this variant remains unclear.

St. Jude Molecular Pathology, St. Jude Children's Research Hospital
Classification: Uncertain significance for Fanconi anemia complementation group A. Last evaluated: 2022-10-17. Review status: criteria provided, single submitter. Criteria: St. Jude Assertion Criteria 2020. Collection method: clinical testing. Allele origin: germline.
Comment: The FANCA c.1061T>A (p.Leu354Gln)  missense change is absent in gnomAD v2.1.1. The in silico tool REVEL is inconclusive about a pathogenic or benign effect of this variant on protein function, and to our knowledge functional studies have not been performed. To our knowledge, this variant has not been reported in individuals with Fanconi anemia. In summary, the evidence currently available is insufficient to determine the clinical significance of this variant. It has therefore been classified as of uncertain significance.